The following is an entry in ClinVar:

NM_015374.3(SUN2):c.515C>T (p.Ser172Leu)

Gene: SUN2 (Sad1 and UNC84 domain containing 2; minus strand). Cytogenetic location: 22q13.1.
Variant type: single nucleotide variant.
Coding change: c.515C>T on transcript NM_015374.3 (MANE Select); coding-DNA position 515, C replaced by T.
Protein change: p.Ser172Leu; replaces serine 172 with leucine.
Molecular consequence: missense variant.
Genome position (GRCh38, 1-based): chr22:38,750,230, G>A on the plus strand (C>T on the coding strand, the complement: SUN2 is on the minus strand). VCF-style: chr22-38750230-G-A. GRCh37 (hg19) VCF-style: chr22-39146235-G-A.
Other names: c.578C>T, p.Ser193Leu (NM_001199579.2); c.515C>T, p.Ser172Leu (NM_001199580.2); short protein forms S172L, S193L.
Identifiers: ClinVar variation 1016531 (VCV001016531.8), dbSNP rs760739182, ClinGen allele CA10235906.

ClinVar aggregate classification (germline): Uncertain significance (1 of 4 stars; one submission).

Conditions:
Emery-Dreifuss muscular dystrophy (EDMD). Also called: Scapuloperoneal syndrome, X-linked (formerly); Humeroperoneal neuromuscular disease, (formerly). Identifiers: Orphanet 261, MedGen C0410189, MONDO:0016830.

Allele frequency attached by ClinVar (database versions not stated): gnomAD 0.00001; gnomAD exomes 0.00002; TOPMed 0.00002; ExAC 0.00003.
gnomAD v4.1: 30 of 1,610,228 alleles (0.0019%); highest among the groups gnomAD compares: East Asian, 0.0067%; no homozygotes.

Submission:

Labcorp Genetics (formerly Invitae), Labcorp
Classification: Uncertain significance for Emery-Dreifuss muscular dystrophy. Last evaluated: 2020-08-29. Review status: criteria provided, single submitter. Criteria: Invitae Variant Classification Sherloc (09022015). Collection method: clinical testing. Allele origin: germline.
Comment: In summary, the available evidence is currently insufficient to determine the role of this variant in disease. Therefore, it has been classified as a Variant of Uncertain Significance. Algorithms developed to predict the effect of missense changes on protein structure and function (SIFT, PolyPhen-2, Align-GVGD) all suggest that this variant is likely to be tolerated, but these predictions have not been confirmed by published functional studies and their clinical significance is uncertain. This variant has not been reported in the literature in individuals with SUN2-related conditions. This variant is present in population databases (rs760739182, ExAC 0.01%). This sequence change replaces serine with leucine at codon 172 of the SUN2 protein (p.Ser172Leu). The serine residue is weakly conserved and there is a large physicochemical difference between serine and leucine.